The following is an entry in ClinVar:

NM_000521.4(HEXB):c.771+5G>A

Gene: HEXB (hexosaminidase subunit beta; plus strand). Cytogenetic location: 5q13.3.
Variant type: single nucleotide variant.
Coding change: c.771+5G>A on transcript NM_000521.4 (MANE Select); 5 bases into the intron after coding-DNA position 771, G replaced by A.
Molecular consequence: intron variant.
Genome position (GRCh38, 1-based): chr5:74,705,325, G>A. VCF-style: chr5-74705325-G-A. GRCh37 (hg19) VCF-style: chr5-74001150-G-A.
Other names: c.96+5G>A (NM_001292004.2).
Identifiers: ClinVar variation 3384746 (VCV003384746.1).

ClinVar aggregate classification (germline): Uncertain significance (1 of 4 stars; one submission).

Submission:

Women's Health and Genetics/Laboratory Corporation of America, LabCorp
Classification: Uncertain significance. Last evaluated: 2024-10-11. Review status: criteria provided, single submitter. Criteria: LabCorp Variant Classification Summary - May 2015. Collection method: clinical testing. Allele origin: germline.
Comment: Variant summary: HEXB c.771+5G>A alters a conserved nucleotide located close to a canonical splice site and therefore could affect mRNA splicing, leading to a significantly altered protein sequence. Several computational tools predict a significant impact on normal splicing: One predict the variant abolishes a 5' splicing donor site. Two predict the variant weakens a 5' donor site. However, these predictions have yet to be confirmed by functional studies. The variant was absent in 251222 control chromosomes. c.771+5G>A has been reported in the literature in individuals affected with Sandhoff Disease (Ozaal_2022). These data indicate that the variant may be associated with disease. To our knowledge, no experimental evidence demonstrating an impact on protein function has been reported. The following publication have been ascertained in the context of this evaluation (PMID: 36407556). No submitters have cited clinical-significance assessments for this variant to ClinVar. Based on the evidence outlined above, the variant was classified as VUS-possibly pathogenic.

Literature cited by the submitters: PubMed 36407556.